The following is an entry in ClinVar:

ClinVar aggregate classification (germline): Pathogenic (1 of 4 stars; one submission).

Conditions:
Donnai-Barrow syndrome. Also called: DBS/FOAR SYNDROME; FACIOOCULOACOUSTICORENAL SYNDROME. Identifiers: Orphanet 2143, MedGen C1857277, MONDO:0009104, OMIM 222448.

Submission:

Myriad Genetics, Inc.
Classification: Pathogenic for Donnai-Barrow syndrome. Last evaluated: 2025-11-27. Review status: criteria provided, single submitter. Criteria: Myriad Autosomal Dominant, Autosomal Recessive and X-Linked Classification Criteria (2023). Collection method: clinical testing. Allele origin: unknown.
Comment: NM_004525.2(LRP2):c.8710C>T(R2904*) is expected to be pathogenic in the context of Donnai-Barrow syndrome. This variant is predicted to lead to an abnormal or absent protein product due to the creation of a premature termination codon in LRP2, a gene where loss-of-function variants are known to be pathogenic. Please note: this variant was assessed in the context of healthy population screening.

NM_004525.3(LRP2):c.8710C>T (p.Arg2904Ter)

Gene: LRP2 (LDL receptor related protein 2; minus strand). Cytogenetic location: 2q31.1.
Variant type: single nucleotide variant.
Coding change: c.8710C>T on transcript NM_004525.3 (MANE Select); coding-DNA position 8710, C replaced by T.
Protein change: p.Arg2904Ter; replaces arginine 2904 with a stop codon.
Molecular consequence: nonsense.
Genome position (GRCh38, 1-based): chr2:169,193,881, G>A on the plus strand (C>T on the coding strand, the complement: LRP2 is on the minus strand). VCF-style: chr2-169193881-G-A. GRCh37 (hg19) VCF-style: chr2-170050391-G-A.
Other names: short protein forms R2904*.
Identifiers: ClinVar variation 5015266 (VCV005015266.1).
Genomic context (GRCh38, chr2:169,193,881, plus strand): 5'-TCCATTCGCTTGGGATGCACCTCCCACCATCACACTTGAACTCATCAGCTAGGCATGTTC[G>A]CTCAGAGTGACCTGAAAAGATCAATAGCATTCTCAGTGAAAAAAAGTGGTTTACAGTCCA-3'